The following is an entry in ClinVar:

NM_015158.5(KANK1):c.454C>A (p.Leu152Ile)

Gene: KANK1 (KN motif and ankyrin repeat domains 1; plus strand). Cytogenetic location: 9p24.3.
Variant type: single nucleotide variant.
Coding change: c.454C>A on transcript NM_015158.5 (MANE Select); coding-DNA position 454, C replaced by A.
Protein change: p.Leu152Ile; replaces leucine 152 with isoleucine.
Molecular consequence: missense variant. On other transcripts: 5 prime UTR variant (12), non-coding transcript variant (1).
Genome position (GRCh38, 1-based): chr9:711,220, C>A. VCF-style: chr9-711220-C-A. GRCh37 (hg19) VCF-style: chr9-711220-C-A.
Other names: c.454C>A, p.Leu152Ile (NM_001256876.3, NM_001256877.3, NM_001354331.2 and 2 more transcripts); c.-21C>A (NM_001354333.2, NM_001354335.2, NM_001354336.2 and 9 more transcripts); c.454C>A (NM_015158.2); short protein forms L152I.
Identifiers: ClinVar variation 2068982 (VCV002068982.3), dbSNP rs770539575, ClinGen allele CA4959946.

ClinVar aggregate classification (germline): Conflicting classifications of pathogenicity. Review status: criteria provided, conflicting classifications (1 of 4 stars). 2 submissions from 2 submitters: Uncertain significance (1); Likely benign (1). Last evaluated 2025-08-29.

Allele frequency attached by ClinVar (database versions not stated): gnomAD exomes below 0.00001; gnomAD 0.00006; TOPMed 0.00006.
gnomAD v4.1: 15 of 1,614,064 alleles (0.00093%); highest among the groups gnomAD compares: African/African-American, 0.019%; no homozygotes.

Submissions (2):

Ambry Genetics
Classification: Likely benign. Last evaluated: 2025-08-29. Review status: criteria provided, single submitter. Criteria: Ambry Variant Classification Scheme 2023. Collection method: clinical testing. Allele origin: germline.

Labcorp Genetics (formerly Invitae), Labcorp
Classification: Uncertain significance. Last evaluated: 2025-06-12. Review status: criteria provided, single submitter. Criteria: Invitae Variant Classification Sherloc (09022015). Collection method: clinical testing. Allele origin: germline.
Comment: This sequence change replaces leucine, which is neutral and non-polar, with isoleucine, which is neutral and non-polar, at codon 152 of the KANK1 protein (p.Leu152Ile). This variant is present in population databases (rs770539575, gnomAD 0.04%). This variant has not been reported in the literature in individuals affected with KANK1-related conditions. ClinVar contains an entry for this variant (Variation ID: 2068982). An algorithm developed to predict the effect of missense changes on protein structure and function (PolyPhen-2) suggests that this variant is likely to be tolerated. In summary, the available evidence is currently insufficient to determine the role of this variant in disease. Therefore, it has been classified as a Variant of Uncertain Significance.